The following is an entry in ClinVar:

ClinVar aggregate classification (germline): Uncertain significance (1 of 4 stars; one submission).

Conditions:
Frasier syndrome. Identifiers: Orphanet 347, MedGen C0950122, MeSH D052159, MONDO:0007635, OMIM 136680.
Drash syndrome (DDS). Also called: NEPHROPATHY, WILMS TUMOR, AND GENITAL ANOMALIES; WILMS TUMOR AND PSEUDO- OR TRUE HERMAPHRODITISM. Identifiers: Orphanet 220, MedGen C0950121, MONDO:0008682, OMIM 194080.
Wilms tumor 1 (WT1). Also called: Wilms tumor, somatic. Identifiers: Orphanet 654, MedGen CN033288, MONDO:0008679, OMIM 194070.
11p partial monosomy syndrome (WAGR). Also called: CHROMOSOME 11p13 DELETION SYNDROME; WAGR syndrome; WAGR Complex; WAGR Spectrum Disorder. Identifiers: Orphanet 893, MedGen C0206115, MONDO:0008681, OMIM 194072.

Submission:

Labcorp Genetics (formerly Invitae), Labcorp
Classification: Uncertain significance for Wilms tumor 1; Drash syndrome; 11p partial monosomy syndrome; Frasier syndrome. Last evaluated: 2023-03-26. Review status: criteria provided, single submitter. Criteria: Invitae Variant Classification Sherloc (09022015). Collection method: clinical testing. Allele origin: germline.
Comment: This variant is not present in population databases (gnomAD no frequency). In summary, the available evidence is currently insufficient to determine the role of this variant in disease. Therefore, it has been classified as a Variant of Uncertain Significance. An algorithm developed to predict the effect of missense changes on protein structure and function (PolyPhen-2) suggests that this variant is likely to be disruptive. This variant has not been reported in the literature in individuals affected with WT1-related conditions. This sequence change replaces glycine, which is neutral and non-polar, with arginine, which is basic and polar, at codon 173 of the WT1 protein (p.Gly173Arg).

NM_024426.6(WT1):c.532G>A (p.Gly178Arg)

Genes: WT1 (WT1 transcription factor; minus strand), LOC107982234 (WT1/WT1-AS bi-directional promoter region; plus strand). Cytogenetic location: 11p13.
Variant type: single nucleotide variant.
Coding change: c.532G>A on transcript NM_024426.6 (MANE Select); coding-DNA position 532, G replaced by A.
Protein change: p.Gly178Arg; replaces glycine 178 with arginine.
Molecular consequence: missense variant. On other transcripts: non-coding transcript variant (2).
Genome position (GRCh38, 1-based): chr11:32,434,829, C>T on the plus strand (G>A on the coding strand, the complement: WT1 is on the minus strand). VCF-style: chr11-32434829-C-T. GRCh37 (hg19) VCF-style: chr11-32456375-C-T.
Other names: c.532G>A, p.Gly178Arg (NM_000378.6, NM_001407044.1, NM_001407045.1 and 6 more transcripts); c.517G>A, p.Gly173Arg (NM_024425.2); short protein forms G173R, G178R.
Identifiers: ClinVar variation 2941440 (VCV002941440.3), dbSNP rs2133102419, ClinGen allele CA379964758.
Genomic context (GRCh38, chr11:32,434,829, plus strand): 5'-CCTGGCCGGATGACGCCTGGCTGGGCGGAGGAGGACCGAAGGGCCCGTAGCGACAGGCTC[C>T]GGCTGTGCCAGTGAACTGGCCGGAAAAGTGGACAGTGAAGGCGCTCAGGCACTGCTCCTC-3'
Protein context (NP_077744.4, residues 168-188): HFSGQFTGTA[Gly178Arg]ACRYGPFGPP